The following is an entry in ClinVar:

ClinVar aggregate classification (germline): Uncertain significance (1 of 4 stars; one submission).

Allele frequency attached by ClinVar (database versions not stated): gnomAD exomes below 0.00001.

Submission:

Labcorp Genetics (formerly Invitae), Labcorp
Classification: Uncertain significance. Last evaluated: 2022-09-13. Review status: criteria provided, single submitter. Criteria: Invitae Variant Classification Sherloc (09022015). Collection method: clinical testing. Allele origin: germline.
Comment: In summary, the available evidence is currently insufficient to determine the role of this variant in disease. Therefore, it has been classified as a Variant of Uncertain Significance. This sequence change replaces methionine, which is neutral and non-polar, with leucine, which is neutral and non-polar, at codon 140 of the GABRB1 protein (p.Met140Leu). This variant is not present in population databases (gnomAD no frequency). This variant has not been reported in the literature in individuals affected with GABRB1-related conditions. Advanced modeling of protein sequence and biophysical properties (such as structural, functional, and spatial information, amino acid conservation, physicochemical variation, residue mobility, and thermodynamic stability) performed at Invitae indicates that this missense variant is not expected to disrupt GABRB1 protein function.

NM_000812.4(GABRB1):c.418A>C (p.Met140Leu)

Gene: GABRB1 (gamma-aminobutyric acid type A receptor subunit beta1; plus strand). Cytogenetic location: 4p12.
Variant type: single nucleotide variant.
Coding change: c.418A>C on transcript NM_000812.4 (MANE Select); coding-DNA position 418, A replaced by C.
Protein change: p.Met140Leu; replaces methionine 140 with leucine.
Molecular consequence: missense variant.
Genome position (GRCh38, 1-based): chr4:47,161,426, A>C. VCF-style: chr4-47161426-A-C. GRCh37 (hg19) VCF-style: chr4-47163443-A-C.
Other names: short protein forms M140L.
Identifiers: ClinVar variation 2133505 (VCV002133505.4), dbSNP rs2475342588, ClinGen allele CA356806094.